The following is an entry in ClinVar:

NC_000008.10:g.(?_145654526)_(145656554_?)dup

Gene: TONSL (tonsoku like, DNA repair protein; minus strand). Cytogenetic location: 8q24.3.
Variant type: Duplication.
Identifiers: ClinVar variation 2425865 (VCV002425865.4).

ClinVar aggregate classification (germline): Uncertain significance (1 of 4 stars; one submission).

Submission:

Labcorp Genetics (formerly Invitae), Labcorp
Classification: Uncertain significance. Last evaluated: 2022-05-27. Review status: criteria provided, single submitter. Criteria: Invitae Variant Classification Sherloc (09022015). Collection method: clinical testing. Allele origin: germline.
Comment: In summary, the available evidence is currently insufficient to determine the role of this variant in disease. Therefore, it has been classified as a Variant of Uncertain Significance. Experimental studies and prediction algorithms are not available or were not evaluated, and the functional significance of this variant is currently unknown. This variant has not been reported in the literature in individuals affected with TONSL-related conditions. This variant results in a copy number gain of the genomic region encompassing exon(s) 24-26 of the TONSL gene. This region includes the termination codon of the gene. This copy number gain extends beyond the assayed region for this gene and therefore may encompass additional genes. As the precise location of this event is unknown, it may be in tandem or it may be located elsewhere in the genome.